The following is an entry in ClinVar:

ClinVar aggregate classification (germline): Uncertain significance (1 of 4 stars; one submission).

Submission:

Labcorp Genetics (formerly Invitae), Labcorp
Classification: Uncertain significance. Last evaluated: 2022-08-31. Review status: criteria provided, single submitter. Criteria: Invitae Variant Classification Sherloc (09022015). Collection method: clinical testing. Allele origin: germline.
Comment: This variant is not present in population databases (gnomAD no frequency). This sequence change replaces tyrosine, which is neutral and polar, with histidine, which is basic and polar, at codon 324 of the SZT2 protein (p.Tyr324His). In summary, the available evidence is currently insufficient to determine the role of this variant in disease. Therefore, it has been classified as a Variant of Uncertain Significance. Algorithms developed to predict the effect of missense changes on protein structure and function are either unavailable or do not agree on the potential impact of this missense change (SIFT: "Deleterious"; PolyPhen-2: "Probably Damaging"; Align-GVGD: "Class C0"). ClinVar contains an entry for this variant (Variation ID: 1000972). This variant has not been reported in the literature in individuals affected with SZT2-related conditions.

NM_001365999.1(SZT2):c.970T>C (p.Tyr324His)

Gene: SZT2 (SZT2 subunit of KICSTOR complex; plus strand). Cytogenetic location: 1p34.2.
Variant type: single nucleotide variant.
Coding change: c.970T>C on transcript NM_001365999.1 (MANE Select); coding-DNA position 970, T replaced by C.
Protein change: p.Tyr324His; replaces tyrosine 324 with histidine.
Molecular consequence: missense variant.
Genome position (GRCh38, 1-based): chr1:43,419,824, T>C. VCF-style: chr1-43419824-T-C. GRCh37 (hg19) VCF-style: chr1-43885495-T-C.
Other names: c.970T>C, p.Tyr324His (NM_015284.4); short protein forms Y324H.
Identifiers: ClinVar variation 1000972 (VCV001000972.8), dbSNP rs1652125499, ClinGen allele CA340006021.